The following is an entry in ClinVar:

ClinVar aggregate classification (germline): Likely benign. Review status: criteria provided, single submitter (1 of 4 stars). 2 submissions from 2 submitters: Likely benign (1). 1 of the submissions does not count toward it. Last evaluated 2023-01-12.

Conditions:
RTTN-related disorder. Also called: RTTN-related condition.

Submissions (2):

Labcorp Genetics (formerly Invitae), Labcorp
Classification: Likely benign. Last evaluated: 2023-01-12. Review status: criteria provided, single submitter. Criteria: Invitae Variant Classification Sherloc (09022015). Collection method: clinical testing. Allele origin: germline.

PreventionGenetics, part of Exact Sciences
Classification: Likely benign for RTTN-related condition. Last evaluated: 2023-05-05. Review status: no assertion criteria provided. Collection method: clinical testing. Allele origin: germline. Not counted in ClinVar's aggregate classification.
Comment: This variant is classified as likely benign based on ACMG/AMP sequence variant interpretation guidelines (Richards et al. 2015 PMID: 25741868, with internal and published modifications).

NM_173630.4(RTTN):c.3786C>A (p.Ser1262=)

Gene: RTTN (rotatin; minus strand). Cytogenetic location: 18q22.2.
Variant type: single nucleotide variant.
Coding change: c.3786C>A on transcript NM_173630.4 (MANE Select); coding-DNA position 3786, C replaced by A.
Protein change: p.Ser1262=; no amino-acid change (serine 1262 retained).
Molecular consequence: synonymous variant.
Genome position (GRCh38, 1-based): chr18:70,109,615, G>T on the plus strand (C>A on the coding strand, the complement: RTTN is on the minus strand). VCF-style: chr18-70109615-G-T. GRCh37 (hg19) VCF-style: chr18-67776851-G-T.
Other names: c.3786C>A (NM_173630.3); c.1050C>A, p.Ser350= (NM_001318520.2).
Identifiers: ClinVar variation 2827894 (VCV002827894.5), dbSNP rs2512378929, ClinGen allele CA504326644.
Genomic context (GRCh38, chr18:70,109,615, plus strand): 5'-GTGTGAGCTCCATCCCGGAAACGCAGTGAGGTTAGCCATCCCTCGTAAGGTCCGCTCAAG[G>T]GACGGCAGGCCATAGAAATGAGGCGCATCCGTCACTTTCAGACACTGGAGCAGTTTCAGA-3'
Protein context (NP_775901.3, residues 1252-1272): TDAPHFYGLP[Ser1262=]LERTLRGMAN